The following is an entry in ClinVar:

NM_177438.3(DICER1):c.5138A>C (p.Asp1713Ala)

Gene: DICER1 (dicer 1, ribonuclease III; minus strand). Cytogenetic location: 14q32.13.
Variant type: single nucleotide variant.
Coding change: c.5138A>C on transcript NM_177438.3 (MANE Select); coding-DNA position 5138, A replaced by C.
Protein change: p.Asp1713Ala; replaces aspartic acid 1713 with alanine.
Molecular consequence: missense variant.
Genome position (GRCh38, 1-based): chr14:95,094,114, T>G on the plus strand (A>C on the coding strand, the complement: DICER1 is on the minus strand). VCF-style: chr14-95094114-T-G. GRCh37 (hg19) VCF-style: chr14-95560451-T-G.
Other names: c.5138A>C, p.Asp1713Ala (NM_001195573.1, NM_001271282.3, NM_001291628.2 and 1 more transcripts); short protein forms D1713A.
Identifiers: ClinVar variation 933035 (VCV000933035.3), dbSNP rs1595331224, ClinGen allele CA390865364.

ClinVar aggregate classification (germline): Pathogenic (1 of 4 stars; one submission).

Conditions:
DICER1-related tumor predisposition. Also called: DICER1-related pleuropulmonary blastoma cancer predisposition syndrome; DICER1 syndrome. Identifiers: Orphanet 284343, MedGen C3839822, MONDO:0100216.

Submission:

Foulkes Cancer Genetics LDI, Lady Davis Institute for Medical Research
Classification: Pathogenic for Pleuropulmonary blastoma. Last evaluated: 2019-07-01. Review status: criteria provided, single submitter. Criteria: ACMG Guidelines, 2015. Collection method: curation. Allele origin: somatic. Affected: yes. Observed: 1 variant allele.
Comment: ACMG criteria met: PS3, PM1, PM2, PM7, PP3, PP4, BP1

Literature cited by the submitters: PubMed 21882293; PubMed 23620094.